The following is an entry in ClinVar:

NM_004415.4(DSP):c.4130T>A (p.Ile1377Asn)

Gene: DSP (desmoplakin; plus strand). Cytogenetic location: 6p24.3.
Variant type: single nucleotide variant.
Coding change: c.4130T>A on transcript NM_004415.4 (MANE Select); coding-DNA position 4130, T replaced by A.
Protein change: p.Ile1377Asn; replaces isoleucine 1377 with asparagine.
Molecular consequence: missense variant. On other transcripts: intron variant (2).
Genome position (GRCh38, 1-based): chr6:7,580,320, T>A. VCF-style: chr6-7580320-T-A. GRCh37 (hg19) VCF-style: chr6-7580553-T-A.
Other names: c.4130T>A (NM_004415.2); c.4050+80T>A (NM_001319034.2); c.3582+548T>A (NM_001008844.3); short protein forms I1377N.
Identifiers: ClinVar variation 1433735 (VCV001433735.11), dbSNP rs1215591946, ClinGen allele CA362685621.

ClinVar aggregate classification (germline): Uncertain significance. Review status: criteria provided, multiple submitters, no conflicts (2 of 4 stars). 3 submissions from 3 submitters: Uncertain significance (3). Last evaluated 2025-08-02.

Conditions:
Arrhythmogenic right ventricular dysplasia 8 (ARVD8). Also called: ARRHYTHMOGENIC RIGHT VENTRICULAR DYSPLASIA, FAMILIAL, 8; ARRHYTHMOGENIC RIGHT VENTRICULAR CARDIOMYOPATHY 8; Arrhythmogenic Right Ventricular Dysplasia/Cardiomyopathy 8. Identifiers: MedGen C1843896, MONDO:0011831, OMIM 607450.
Arrhythmogenic cardiomyopathy with wooly hair and keratoderma. Also called: Arrhythmogenic cardiomyopathy with woolly hair and keratoderma; PALMOPLANTAR KERATODERMA WITH LEFT VENTRICULAR CARDIOMYOPATHY AND WOOLLY HAIR; Carvajal syndrome; Dilated cardiomyopathy with woolly hair and keratoderma. Identifiers: Orphanet 65282, MedGen C1854063, MONDO:0011581, OMIM 605676.
Cardiomyopathy (CMYO). Also called: Cardiomyopathies. Identifiers: Orphanet 167848, MedGen C0878544, MONDO:0004994, HP:0001638. Inheritance: Various modes of inheritance.
Cardiovascular phenotype. Identifiers: MedGen CN230736.

Allele frequency attached by ClinVar (database versions not stated): gnomAD exomes below 0.00001.
gnomAD v4.1: 2 of 1,613,810 alleles (0.00012%); highest among the groups gnomAD compares: Non-Finnish European, 0.00017%; no homozygotes.

Submissions (3):

Labcorp Genetics (formerly Invitae), Labcorp
Classification: Uncertain significance for Arrhythmogenic cardiomyopathy with wooly hair and keratoderma; Arrhythmogenic right ventricular dysplasia 8. Last evaluated: 2025-08-02. Review status: criteria provided, single submitter. Criteria: Invitae Variant Classification Sherloc (09022015). Collection method: clinical testing. Allele origin: germline.
Comment: This sequence change replaces isoleucine, which is neutral and non-polar, with asparagine, which is neutral and polar, at codon 1377 of the DSP protein (p.Ile1377Asn). This variant is present in population databases (no rsID available, gnomAD 0.0009%). This variant has not been reported in the literature in individuals affected with DSP-related conditions. ClinVar contains an entry for this variant (Variation ID: 1433735). An algorithm developed to predict the effect of missense changes on protein structure and function (PolyPhen-2) suggests that this variant is likely to be disruptive. In summary, the available evidence is currently insufficient to determine the role of this variant in disease. Therefore, it has been classified as a Variant of Uncertain Significance.

Color Diagnostics, LLC DBA Color Health
Classification: Uncertain significance for Cardiomyopathy. Last evaluated: 2024-03-07. Review status: criteria provided, single submitter. Criteria: ACMG Guidelines, 2015. Collection method: clinical testing. Allele origin: germline.
Comment: This missense variant replaces isoleucine with asparagine at codon 1377 of the DSP protein. Computational prediction is inconclusive regarding the impact of this variant on protein structure and function (internally defined REVEL score threshold 0.5 < inconclusive < 0.7, PMID: 27666373). To our knowledge, functional studies have not been reported for this variant. This variant has not been reported in individuals affected with cardiovascular disorders in the literature. This variant has been identified in 1/251114 chromosomes in the general population by the Genome Aggregation Database (gnomAD). The available evidence is insufficient to determine the role of this variant in disease conclusively. Therefore, this variant is classified as a Variant of Uncertain Significance.

Ambry Genetics
Classification: Uncertain significance for Cardiovascular phenotype. Last evaluated: 2022-12-09. Review status: criteria provided, single submitter. Criteria: Ambry Variant Classification Scheme 2023. Collection method: clinical testing. Allele origin: germline.
Comment: The p.I1377N variant (also known as c.4130T>A), located in coding exon 23 of the DSP gene, results from a T to A substitution at nucleotide position 4130. The isoleucine at codon 1377 is replaced by asparagine, an amino acid with dissimilar properties. This amino acid position is conserved. In addition, this alteration is predicted to be deleterious by in silico analysis. Since supporting evidence is limited at this time, the clinical significance of this alteration remains unclear.